The following is an entry in ClinVar:

NM_001039141.3(TRIOBP):c.1331G>A (p.Ser444Asn)

Gene: TRIOBP (TRIO and F-actin binding protein; plus strand). Cytogenetic location: 22q13.1.
Variant type: single nucleotide variant.
Coding change: c.1331G>A on transcript NM_001039141.3 (MANE Select); coding-DNA position 1331, G replaced by A.
Protein change: p.Ser444Asn; replaces serine 444 with asparagine.
Molecular consequence: missense variant.
Genome position (GRCh38, 1-based): chr22:37,723,887, G>A. VCF-style: chr22-37723887-G-A. GRCh37 (hg19) VCF-style: chr22-38119894-G-A.
Other names: c.1331G>A (NM_001039141.2); short protein forms S444N.
Identifiers: ClinVar variation 1448567 (VCV001448567.9), dbSNP rs35105846, ClinGen allele CA10223578.

ClinVar aggregate classification (germline): Conflicting classifications of pathogenicity. Review status: criteria provided, conflicting classifications (1 of 4 stars). 2 submissions from 2 submitters: Uncertain significance (1); Likely benign (1). Last evaluated 2025-11-14.

Conditions:
TRIOBP-related disorder. Also called: TRIOBP-related condition.

Allele frequency attached by ClinVar (database versions not stated): ExAC 0.00004; 1000 Genomes Project 30x 0.00172.

Submissions (2):

PreventionGenetics, part of Exact Sciences
Classification: Likely benign for TRIOBP-related condition. Last evaluated: 2025-11-14. Review status: criteria provided, single submitter. Criteria: ACMG Guidelines, 2015. Collection method: clinical testing. Allele origin: germline.
Comment: This variant is classified as likely benign based on ACMG/AMP sequence variant interpretation guidelines (Richards et al. 2015 PMID: 25741868, with internal and published modifications).

Labcorp Genetics (formerly Invitae), Labcorp
Classification: Uncertain significance. Last evaluated: 2021-06-24. Review status: criteria provided, single submitter. Criteria: Invitae Variant Classification Sherloc (09022015). Collection method: clinical testing. Allele origin: germline.
Comment: Algorithms developed to predict the effect of missense changes on protein structure and function output the following: SIFT: "Deleterious"; PolyPhen-2: "Benign"; Align-GVGD: "Class C0". The asparagine amino acid residue is found in multiple mammalian species, suggesting that this missense change does not adversely affect protein function. These predictions have not been confirmed by published functional studies and their clinical significance is uncertain. In summary, the available evidence is currently insufficient to determine the role of this variant in disease. Therefore, it has been classified as a Variant of Uncertain Significance. This sequence change replaces serine with asparagine at codon 444 of the TRIOBP protein (p.Ser444Asn). The serine residue is weakly conserved and there is a small physicochemical difference between serine and asparagine. The frequency data for this variant in the population databases is considered unreliable, as metrics indicate poor data quality at this position in the ExAC database. This variant has not been reported in the literature in individuals with TRIOBP-related conditions.